The following is an entry in ClinVar:

NM_144988.4(ALG14):c.371A>C (p.His124Pro)

Gene: ALG14 (ALG14 UDP-N-acetylglucosaminyltransferase subunit; minus strand). Cytogenetic location: 1p21.3.
Variant type: single nucleotide variant.
Coding change: c.371A>C on transcript NM_144988.4 (MANE Select); coding-DNA position 371, A replaced by C.
Protein change: p.His124Pro; replaces histidine 124 with proline.
Molecular consequence: missense variant. On other transcripts: synonymous variant (1), non-coding transcript variant (1).
Genome position (GRCh38, 1-based): chr1:95,027,178, T>G on the plus strand (A>C on the coding strand, the complement: ALG14 is on the minus strand). VCF-style: chr1-95027178-T-G. GRCh37 (hg19) VCF-style: chr1-95492734-T-G.
Other names: c.408A>C, p.Ala136= (NM_001305242.2); short protein forms H124P.
Identifiers: ClinVar variation 542123 (VCV000542123.8), dbSNP rs1553228218, ClinGen allele CA341365596.
Genomic context (GRCh38, chr1:95,027,178, plus strand): 5'-GTCTTACTTACCAAATCTGGCTTCACCCTGTGAATTAGGGGAAAGGAGAGCCACATGGAG[T>G]GCAAGGTGGTGAAAACGGTGGAGGGCCAGGACTGCTGAACCTCCCGGCTTCTTGGAATTC-3'
Protein context (NP_659425.1, residues 114-134): SWPSTVFTTL[His124Pro]SMWLSFPLIH

ClinVar aggregate classification (germline): Uncertain significance (1 of 4 stars; one submission).

Conditions:
Congenital myasthenic syndrome 15. Also called: Myasthenic syndrome, congenital, 15, without tubular aggregates. Identifiers: Orphanet 353327, Orphanet 590, MedGen C4015596, MONDO:0014542, OMIM 616227.

Allele frequency attached by ClinVar (database versions not stated): gnomAD 0.00001; TOPMed below 0.00001.
gnomAD v4.1: 1 of 1,613,854 alleles (0.000062%); highest among the groups gnomAD compares: Non-Finnish European, 0.000085%; no homozygotes.

Submission:

Labcorp Genetics (formerly Invitae), Labcorp
Classification: Uncertain significance for Congenital myasthenic syndrome 15. Last evaluated: 2017-09-12. Review status: criteria provided, single submitter. Criteria: Invitae Variant Classification Sherloc (09022015). Collection method: clinical testing. Allele origin: germline.
Comment: This sequence change replaces histidine with proline at codon 124 of the ALG14 protein (p.His124Pro). The histidine residue is weakly conserved and there is a moderate physicochemical difference between histidine and proline. This variant is not present in population databases (ExAC no frequency). This variant has not been reported in the literature in individuals with ALG14-related disease. Algorithms developed to predict the effect of missense changes on protein structure and function (SIFT, PolyPhen-2, Align-GVGD) all suggest that this variant is likely to be tolerated, but these predictions have not been confirmed by published functional studies and their clinical significance is uncertain. In summary, the available evidence is currently insufficient to determine the role of this variant in disease. Therefore, it has been classified as a Variant of Uncertain Significance.